The following is an entry in ClinVar:

ClinVar aggregate classification (germline): Pathogenic (1 of 4 stars; one submission).

Conditions:
DYRK1A-related intellectual disability syndrome (MRD7). Also called: DYRK1A Syndrome; Intellectual developmental disorder, autosomal dominant 7. Identifiers: Orphanet 464306, MedGen C5568143, MONDO:0013578, OMIM 614104.

Submission:

3billion
Classification: Pathogenic for DYRK1A-related intellectual disability syndrome. Last evaluated: 2024-06-16. Review status: criteria provided, single submitter. Criteria: ACMG Guidelines, 2015. Collection method: clinical testing. Allele origin: germline. Affected: yes.
Comment: The variant is not observed in the gnomAD v4.0.0 dataset. Predicted Consequence/Location: Stop-gained (nonsense): predicted to result in a loss or disruption of normal protein function through nonsense-mediated decay (NMD) or protein truncation. Multiple pathogenic variants are reported downstream of the variant. Therefore, this variant is classified as Pathogenic according to the recommendation of ACMG/AMP guideline.

NM_001347721.2(DYRK1A):c.408dup (p.Asp137Ter)

Gene: DYRK1A (dual specificity tyrosine phosphorylation regulated kinase 1A; plus strand). Cytogenetic location: 21q22.13.
Variant type: Duplication.
Coding change: c.408dup on transcript NM_001347721.2 (MANE Select); coding-DNA position 408, one base duplicated (T; older notation c.408dupT).
Protein change: p.Asp137Ter; replaces aspartic acid 137 with a stop codon.
Molecular consequence: nonsense.
Genome position (GRCh38, 1-based): chr21:37,480,745, T duplicated. VCF-style (leftmost placement, unchanged base first): chr21-37480744-A-AT. GRCh37 (hg19) VCF-style: chr21-38853046-A-AT.
Other names: c.408dup, p.Asp137Ter (NM_001347722.2, NM_130436.2); c.321dup, p.Asp108Ter (NM_001347723.2); c.435dup, p.Asp146Ter (NM_001396.5, NM_101395.2, NM_130438.2); short protein forms D108*, D137*, D146*.
Identifiers: ClinVar variation 4293676 (VCV004293676.1).